The following is an entry in ClinVar:

NM_001170629.2(CHD8):c.5491A>G (p.Thr1831Ala)

Gene: CHD8 (chromodomain helicase DNA binding protein 8; minus strand). Cytogenetic location: 14q11.2.
Variant type: single nucleotide variant.
Coding change: c.5491A>G on transcript NM_001170629.2 (MANE Select); coding-DNA position 5491, A replaced by G.
Protein change: p.Thr1831Ala; replaces threonine 1831 with alanine.
Molecular consequence: missense variant.
Genome position (GRCh38, 1-based): chr14:21,394,385, T>C on the plus strand (A>G on the coding strand, the complement: CHD8 is on the minus strand). VCF-style: chr14-21394385-T-C. GRCh37 (hg19) VCF-style: chr14-21862544-T-C.
Other names: c.4654A>G, p.Thr1552Ala (NM_020920.4); short protein forms T1552A, T1831A.
Identifiers: ClinVar variation 2629066 (VCV002629066.6), dbSNP rs369106513, ClinGen allele CA7090942.

ClinVar aggregate classification (germline): Likely benign. Review status: criteria provided, multiple submitters, no conflicts (2 of 4 stars). 3 submissions from 3 submitters: Likely benign (3). Last evaluated 2025-07-14.

Conditions:
Inborn genetic diseases. Identifiers: MedGen C0950123, MeSH D030342.
CHD8-related disorder. Also called: CHD8-related condition; CHD8-related disorders.

Allele frequency attached by ClinVar (database versions not stated): gnomAD exomes 0.00002; TOPMed 0.00002; ExAC 0.00003; gnomAD 0.00004; ESP Exome Variant Server 0.00008.
gnomAD v4.1: 41 of 1,613,766 alleles (0.0025%); highest among the groups gnomAD compares: Admixed American, 0.023%; no homozygotes.

Submissions (3):

PreventionGenetics, part of Exact Sciences
Classification: Likely benign for CHD8-related condition. Last evaluated: 2025-07-14. Review status: criteria provided, single submitter. Criteria: ACMG Guidelines, 2015. Collection method: clinical testing. Allele origin: germline.
Comment: This variant is classified as likely benign based on ACMG/AMP sequence variant interpretation guidelines (Richards et al. 2015 PMID: 25741868, with internal and published modifications).

Labcorp Genetics (formerly Invitae), Labcorp
Classification: Likely benign. Last evaluated: 2025-04-03. Review status: criteria provided, single submitter. Criteria: Invitae Variant Classification Sherloc (09022015). Collection method: clinical testing. Allele origin: germline.

Ambry Genetics
Classification: Likely benign for Inborn genetic diseases. Last evaluated: 2025-02-02. Review status: criteria provided, single submitter. Criteria: Ambry Variant Classification Scheme 2023. Collection method: clinical testing. Allele origin: germline.